The following is an entry in ClinVar:

NM_002979.5(SCP2):c.146A>G (p.Asp49Gly)

Gene: SCP2 (sterol carrier protein 2; plus strand). Cytogenetic location: 1p32.3.
Variant type: single nucleotide variant.
Coding change: c.146A>G on transcript NM_002979.5 (MANE Select); coding-DNA position 146, A replaced by G.
Protein change: p.Asp49Gly; replaces aspartic acid 49 with glycine.
Molecular consequence: missense variant. On other transcripts: 5 prime UTR variant (1), intron variant (1).
Genome position (GRCh38, 1-based): chr1:52,948,027, A>G. VCF-style: chr1-52948027-A-G. GRCh37 (hg19) VCF-style: chr1-53413699-A-G.
Other names: c.146A>G, p.Asp49Gly (NM_001007098.3, NM_001193600.2, NM_001330587.2); c.-98A>G (NM_001193617.2); c.128-2728A>G (NM_001193599.2); short protein forms D49G.
Identifiers: ClinVar variation 3347402 (VCV003347402.1).

ClinVar aggregate classification (germline): Uncertain significance (0 of 4 stars; one submission).

Conditions:
SCP2-related disorder. Also called: SCP2-related condition.

gnomAD v4.1: 1 of 1,613,082 alleles (0.000062%); highest among the groups gnomAD compares: South Asian, 0.0011%; no homozygotes.

Submission:

PreventionGenetics, part of Exact Sciences
Classification: Uncertain significance for SCP2-related condition. Last evaluated: 2024-08-17. Review status: no assertion criteria provided. Collection method: clinical testing. Allele origin: germline.
Comment: The SCP2 c.146A>G variant is predicted to result in the amino acid substitution p.Asp49Gly. To our knowledge, this variant has not been reported in the literature or in a large population database, indicating this variant is rare. At this time, the clinical significance of this variant is uncertain due to the absence of conclusive functional and genetic evidence.